The following is an entry in ClinVar:

ClinVar aggregate classification (germline): Uncertain significance. Review status: reviewed by expert panel (3 of 4 stars). 3 submissions from 3 submitters: Uncertain significance (1). 2 of the submissions do not count toward it. Last evaluated 2025-01-07.

Conditions:
Leigh syndrome (NULS). Also called: Leigh's syndrome; Leigh Disease; Subacute necrotizing encephalopathy; Necrotizing encephalopathy infantile subacute of Leigh; LEIGH SYNDROME, NUCLEAR; Leigh's necrotizing encephalopathy. Identifiers: Orphanet 506, MedGen C2931891, MONDO:0009723, OMIM 256000.
Mitochondrial disease. Also called: Mitochondrial disorder; Mitochondrial disorders. Identifiers: Orphanet 68380, MedGen C0751651, MeSH D028361, MONDO:0044970.
Leber optic atrophy (LHON). Also called: Leber hereditary optic neuropathy; Leber's disease; Leber's optic atrophy; Optic Atrophy, Hereditary, Leber. Identifiers: Orphanet 104, MedGen C0917796, MONDO:0010788, OMIM 535000, HP:0001112.

Submissions (3):

ClinGen Mitochondrial Disease Nuclear and Mitochondrial  Variant Curation Expert Panel, ClinGen
Classification: Uncertain significance for Mitochondrial disease. Last evaluated: 2025-01-07. Review status: reviewed by expert panel. Criteria: clingen mito disease acmg specifications v1-1. Collection method: curation. Allele origin: germline. Inheritance: Mitochondrial inheritance.
Comment: The m.13063G>A (p.V243I) variant in MT-ND5 has been reported in two probands with primary mitochondrial disease, however a second nuclear etiology was identified in one of these cases precluding this case from being included in this curation (PMID: 32652755). Skeletal muscle biopsy showed ragged red fibers. Complex I activity was decreased in skeletal muscle (46% controls) and skin fibroblasts (28% controls). The variant was present at 80% heteroplasmy in skeletal muscle, 25% in lymphocytes, and 70% in fibroblasts (PMID: 17535832; case also reported in PMIDs: 18332249, 18977334). Lymphocytes from healthy family members were tested and the variant was present in some while being absent in others, precluding consideration for evidence of segregation. There are no de novo occurrences to our knowledge. This variant is present in population databases (0.002%-0.003%; two homoplasmic occurrence in MITOMAP; one homoplasmic and four heteroplasmic occurrences in gnomAD v3.1.2; six heteroplasmic occurrences in the Helix database). In silico prediction tools are conflicting as APOGEE1 predicts a deleterious effect (0.63) and APOGEE2 predicts a neutral effect (0.417). Cybrid studies support the functional impact of this variant as they showed the variant was associated with decreased complex I activity (PS3_supporting; PMID: 17535832). In summary, this variant meets criteria to be classified as uncertain significance for primary mitochondrial disease inherited in a mitochondrial manner. This classification was approved by the NICHD/NINDS U24 ClinGen Mitochondrial Disease Variant Curation Expert Panel on January 7, 2025. Mitochondrial DNA-specific ACMG/AMP criteria applied (PMID: 32906214): PS3_supporting.

Mendelics
Classification: Pathogenic for Leber optic atrophy. Last evaluated: 2022-05-04. Review status: criteria provided, single submitter. Criteria: Mendelics Assertion Criteria 2019. Collection method: clinical testing. Allele origin: germline. Not counted in ClinVar's aggregate classification.

Wong Mito Lab, Molecular and Human Genetics, Baylor College of Medicine
Classification: Likely pathogenic for Leigh syndrome. Last evaluated: 2019-10-17. Review status: criteria provided, single submitter. Criteria: Modified ACMG Guidelines (Unpublished). Collection method: clinical testing. Allele origin: germline. Not counted in ClinVar's aggregate classification.
Comment: The NC_012920.1:m.13063G>A (YP_003024036.1:p.Val243Ile) variant in MTND5 gene is interpretated to be a Likely Pathogenic variant based on the modified ACMG guidelines (unpublished). This variant meets the following evidence codes: PS3, PM8, PP4, PP6

Literature cited by the submitters: PubMed 17535832 (cited by ClinGen Mitochondrial Disease Nuclear and Mitochondrial  Variant Curation Expert Panel, ClinGen and Wong Mito Lab, Molecular and Human Genetics, Baylor College of Medicine); PubMed 18977334 (cited by Wong Mito Lab, Molecular and Human Genetics, Baylor College of Medicine).

NC_012920.1(MT-ND5):m.13063G>A

Gene: MT-ND5 (mitochondrially encoded NADH dehydrogenase 5; plus strand).
Variant type: single nucleotide variant.
Genome position: chrM-13063-G-A.
Identifiers: ClinVar variation 693513 (VCV000693513.2), dbSNP rs1603224017, ClinGen allele CA414816476.
Genomic context (GRCh38, chrMT:13,063, plus strand): 5'-AAATCAGCCCAATTAGGTCTCCACCCCTGACTCCCCTCAGCCATAGAAGGCCCCACCCCA[G>A]TCTCAGCCCTACTCCACTCAAGCACTATAGTTGTAGCAGGAATCTTCTTACTCATCCGCT-3'